The following is an entry in ClinVar:

NM_024675.4(PALB2):c.43G>A (p.Glu15Lys)

Gene: PALB2 (partner and localizer of BRCA2; minus strand). Cytogenetic location: 16p12.2.
Variant type: single nucleotide variant.
Coding change: c.43G>A on transcript NM_024675.4 (MANE Select); coding-DNA position 43, G replaced by A.
Protein change: p.Glu15Lys; replaces glutamic acid 15 with lysine.
Molecular consequence: missense variant.
Genome position (GRCh38, 1-based): chr16:23,641,115, C>T on the plus strand (G>A on the coding strand, the complement: PALB2 is on the minus strand). VCF-style: chr16-23641115-C-T. GRCh37 (hg19) VCF-style: chr16-23652436-C-T.
Other names: short protein forms E15K.
Identifiers: ClinVar variation 480291 (VCV000480291.18), dbSNP rs730881884, ClinGen allele CA395141028.

ClinVar aggregate classification (germline): Conflicting classifications of pathogenicity. Review status: criteria provided, conflicting classifications (1 of 4 stars). 4 submissions from 4 submitters: Uncertain significance (3); Likely benign (1). Last evaluated 2024-10-24.

Conditions:
Hereditary cancer-predisposing syndrome. Also called: Hereditary Cancer Syndrome; Neoplastic Syndromes, Hereditary; Tumor predisposition; Hereditary neoplastic syndrome. Identifiers: Orphanet 140162, MedGen C0027672, MeSH D009386, MONDO:0015356.
Familial cancer of breast. Also called: BREAST CANCER, FAMILIAL; Hereditary breast cancer; hereditary breast carcinoma. Identifiers: Orphanet 227535, MedGen C0346153, MONDO:0016419, OMIM 114480. Disease mechanism: loss of function.

Allele frequency attached by ClinVar (database versions not stated): gnomAD exomes below 0.00001; gnomAD 0.00001; TOPMed 0.00001.
gnomAD v4.1: 6 of 1,613,468 alleles (0.00037%); highest among the groups gnomAD compares: South Asian, 0.0022%; no homozygotes.

Submissions (4):

Labcorp Genetics (formerly Invitae), Labcorp
Classification: Uncertain significance for Familial cancer of breast. Last evaluated: 2024-10-24. Review status: criteria provided, single submitter. Criteria: Invitae Variant Classification Sherloc (09022015). Collection method: clinical testing. Allele origin: germline.
Comment: This sequence change replaces glutamic acid, which is acidic and polar, with lysine, which is basic and polar, at codon 15 of the PALB2 protein (p.Glu15Lys). This variant is not present in population databases (gnomAD no frequency). This variant has not been reported in the literature in individuals affected with PALB2-related conditions. ClinVar contains an entry for this variant (Variation ID: 480291). An algorithm developed to predict the effect of missense changes on protein structure and function (PolyPhen-2) suggests that this variant is likely to be disruptive. In summary, the available evidence is currently insufficient to determine the role of this variant in disease. Therefore, it has been classified as a Variant of Uncertain Significance.

GeneDx
Classification: Uncertain significance. Last evaluated: 2024-06-05. Review status: criteria provided, single submitter. Criteria: GeneDx Variant Classification Process June 2021. Collection method: clinical testing. Allele origin: germline. Affected: yes.
Comment: Not observed at significant frequency in large population cohorts (gnomAD); In silico analysis indicates that this missense variant does not alter protein structure/function; Has not been previously published as pathogenic or benign to our knowledge; This variant is associated with the following publications: (PMID: 19369211, 20871615)

Ambry Genetics
Classification: Likely benign for Hereditary cancer-predisposing syndrome. Last evaluated: 2024-03-14. Review status: criteria provided, single submitter. Criteria: Ambry Variant Classification Scheme 2023. Collection method: clinical testing. Allele origin: germline.

Color Diagnostics, LLC DBA Color Health
Classification: Uncertain significance for Hereditary cancer-predisposing syndrome. Last evaluated: 2019-12-18. Review status: criteria provided, single submitter. Criteria: ACMG Guidelines, 2015. Collection method: clinical testing. Allele origin: germline.
Comment: This missense variant replaces glutamic acid with lysine at codon 15 of the PALB2 protein. Computational prediction suggests that this variant may not impact protein structure and function (internally defined REVEL score threshold <= 0.5, PMID: 27666373). Splice site prediction tools suggest that this variant may not impact RNA splicing. To our knowledge, functional studies have not been performed for this variant. This variant has not been reported in individuals affected with hereditary cancer in the literature. This variant has not been identified in the general population by the Genome Aggregation Database (gnomAD). The available evidence is insufficient to determine the role of this variant in disease conclusively. Therefore, this variant is classified as a Variant of Uncertain Significance.